The following is an entry in ClinVar:

ClinVar aggregate classification (germline): Likely benign (1 of 4 stars; one submission).

gnomAD v4.1: 7,011 of 1,614,072 alleles (0.43%); highest among the groups gnomAD compares: Non-Finnish European, 0.56%; 20 homozygotes.

Submission:

CeGaT Center for Human Genetics Tuebingen
Classification: Likely benign. Last evaluated: 2025-07-01. Review status: criteria provided, single submitter. Criteria: CeGaT Center For Human Genetics Tuebingen Variant Classification Criteria Version 2. Collection method: clinical testing. Allele origin: germline. Affected: yes. Observed: 1 variant allele.
Comment: DXO: BS2

NM_005510.4(DXO):c.880C>T (p.Arg294Cys)

Gene: DXO (decapping exoribonuclease; minus strand). Cytogenetic location: 6p21.33.
Variant type: single nucleotide variant.
Coding change: c.880C>T on transcript NM_005510.4 (MANE Select); coding-DNA position 880, C replaced by T.
Protein change: p.Arg294Cys; replaces arginine 294 with cysteine.
Molecular consequence: missense variant. On other transcripts: non-coding transcript variant (4).
Genome position (GRCh38, 1-based): chr6:31,970,411, G>A on the plus strand (C>T on the coding strand, the complement: DXO is on the minus strand). VCF-style: chr6-31970411-G-A. GRCh37 (hg19) VCF-style: chr6-31938188-G-A.
Other names: c.328C>T, p.Arg110Cys (NM_001371205.1, NM_001371206.1, NM_001438480.1); c.880C>T, p.Arg294Cys (NM_001438478.1, NM_001438479.1); short protein forms R110C, R294C.
Identifiers: ClinVar variation 4083615 (VCV004083615.8).